The following is an entry in ClinVar:

NM_016151.4(TAOK2):c.2907GCT[4] (p.Leu974del)

Gene: TAOK2 (TAO kinase 2; plus strand). Cytogenetic location: 16p11.2.
Variant type: Microsatellite.
Coding change: c.2907GCT[4] on transcript NM_016151.4 (MANE Select); four copies in a row of the 3-base unit GCT starting at c.2907; the reference has five copies in a row; one copy, 3 bases deleted.
Protein change: p.Leu974del; deletes leucine 974.
Molecular consequence: inframe deletion. On other transcripts: intron variant (1).
Genome position (GRCh38, 1-based): chr16:29,987,191-29,987,193, GCT deleted; deleting any 3 consecutive bases within chr16:29,987,177-29,987,193 gives the same sequence; the position shown is the placement nearest the transcript's 3' end. VCF-style (leftmost placement, unchanged base first): chr16-29987176-CCTG-C. GRCh37 (hg19) VCF-style: chr16-29998497-CCTG-C.
Other names: c.2568GCT[4], p.Leu861del (NM_001252043.2); c.2232+673CTG[4] (NM_004783.4); short protein forms L861del, L974del.
Identifiers: ClinVar variation 2896601 (VCV002896601.3), dbSNP rs751062812, ClinGen allele CA7998466.
Genomic context (GRCh38, chr16:29,987,176, plus strand): 5'-CCATGGCCTCCTGGCCGGCCTCTCCTTTGCAGTGGGGTCCTCCTCTGGCCTCCTGCCCCT[CCTG>C]CTGCTGCTGCTGCTTCCATTGCTGGCAGCCCAGGGTGGGGGTGGCCTGCAGGCAGCGCTG-3'

ClinVar aggregate classification (germline): Uncertain significance (1 of 4 stars; one submission).

Submission:

Labcorp Genetics (formerly Invitae), Labcorp
Classification: Uncertain significance. Last evaluated: 2023-05-08. Review status: criteria provided, single submitter. Criteria: Invitae Variant Classification Sherloc (09022015). Collection method: clinical testing. Allele origin: germline.
Comment: In summary, the available evidence is currently insufficient to determine the role of this variant in disease. Therefore, it has been classified as a Variant of Uncertain Significance. Experimental studies and prediction algorithms are not available or were not evaluated, and the functional significance of this variant is currently unknown. This variant has not been reported in the literature in individuals affected with TAOK2-related conditions. The frequency data for this variant in the population databases is considered unreliable, as metrics indicate poor data quality at this position in the gnomAD database. This variant, c.2919_2921del, results in the deletion of 1 amino acid(s) of the TAOK2 protein (p.Leu974del), but otherwise preserves the integrity of the reading frame.